The following is an entry in ClinVar:

ClinVar aggregate classification (germline): Uncertain significance. Review status: criteria provided, multiple submitters, no conflicts (2 of 4 stars). 2 submissions from 2 submitters: Uncertain significance (2). Last evaluated 2025-01-31.

Conditions:
Capillary malformation-arteriovenous malformation 1 (CMAVM1). Identifiers: Orphanet 137667, Orphanet 693907, MedGen C4747394, MONDO:0020783, OMIM 608354.
Capillary malformation-arteriovenous malformation syndrome. Also called: Capillary malformation-arteriovenous malformation. Identifiers: Orphanet 137667, MedGen C1842180, MONDO:0012016.

Submissions (2):

Clinical Genomics Laboratory, Washington University in St. Louis
Classification: Uncertain significance for Capillary malformation-arteriovenous malformation 1. Last evaluated: 2025-01-31. Review status: criteria provided, single submitter. Criteria: ACMG Guidelines, 2015. Collection method: clinical testing. Allele origin: germline.
Comment: A RASA1 c.1394G>T (p.Arg465Leu) variant was identified at a heterozygous allelic fraction of 50.4%, a frequency which may be consistent with germline origin. This variant, to our knowledge, has not been reported in the medical literature. This variant has been reported in the ClinVar database as a germline variant of uncertain significance in a case of capillary malformation-arteriovenous malformation syndrome by one submitter (Variation ID: 2133658). This variant is absent from the general population (gnomAD v.4.1.0), indicating it is not a common variant. Computational predictors are uncertain as to the impact of this variant on RASA1 function. Due to limited information, and based on ACMG/AMP guidelines for variant interpretation (Richards S et al., PMID: 25741868), the clinical significance of the RASA1 c.1394G>T (p.Arg465Leu) variant is uncertain at this time.

Labcorp Genetics (formerly Invitae), Labcorp
Classification: Uncertain significance for Capillary malformation-arteriovenous malformation syndrome. Last evaluated: 2022-06-24. Review status: criteria provided, single submitter. Criteria: Invitae Variant Classification Sherloc (09022015). Collection method: clinical testing. Allele origin: germline.
Comment: Algorithms developed to predict the effect of missense changes on protein structure and function are either unavailable or do not agree on the potential impact of this missense change (SIFT: "Tolerated"; PolyPhen-2: "Possibly Damaging"; Align-GVGD: "Class C0"). This variant has not been reported in the literature in individuals affected with RASA1-related conditions. This variant is not present in population databases (gnomAD no frequency). This sequence change replaces arginine, which is basic and polar, with leucine, which is neutral and non-polar, at codon 465 of the RASA1 protein (p.Arg465Leu). In summary, the available evidence is currently insufficient to determine the role of this variant in disease. Therefore, it has been classified as a Variant of Uncertain Significance.

NM_002890.3(RASA1):c.1394G>T (p.Arg465Leu)

Genes: CCNH (cyclin H; minus strand), RASA1 (RAS p21 protein activator 1; plus strand). Cytogenetic location: 5q14.3.
Variant type: single nucleotide variant.
Coding change: c.1394G>T on transcript NM_002890.3 (MANE Select); coding-DNA position 1394, G replaced by T.
Protein change: p.Arg465Leu; replaces arginine 465 with leucine.
Molecular consequence: missense variant. On other transcripts: intron variant (1).
Genome position (GRCh38, 1-based): chr5:87,362,612, G>T. VCF-style: chr5-87362612-G-T. GRCh37 (hg19) VCF-style: chr5-86658429-G-T.
Other names: c.863G>T, p.Arg288Leu (NM_022650.3); c.933+32432C>A (NM_001364075.2); short protein forms R465L, R288L.
Identifiers: ClinVar variation 2133658 (VCV002133658.5), dbSNP rs181630831, ClinGen allele CA360367719.